The following is an entry in ClinVar:

NM_018706.7(DHTKD1):c.1523A>G (p.His508Arg)

Gene: DHTKD1 (dehydrogenase E1 and transketolase domain containing 1; plus strand). Cytogenetic location: 10p14.
Variant type: single nucleotide variant.
Coding change: c.1523A>G on transcript NM_018706.7 (MANE Select); coding-DNA position 1523, A replaced by G.
Protein change: p.His508Arg; replaces histidine 508 with arginine.
Molecular consequence: missense variant.
Genome position (GRCh38, 1-based): chr10:12,097,848, A>G. VCF-style: chr10-12097848-A-G. GRCh37 (hg19) VCF-style: chr10-12139847-A-G.
Other names: short protein forms H508R.
Identifiers: ClinVar variation 3667204 (VCV003667204.2).
Genomic context (GRCh38, chr10:12,097,848, plus strand): 5'-TGAATGATCACTTAAATAACATGGCCCACTACAGGCCCCCTGCCCTGAACCTGCAGGCCC[A>G]CTGGCAGGGCCTGGCTCAGCCAGAAGCGCAAATCACCACCTGGAGTACAGGTGTGCCCCT-3'
Protein context (NP_061176.4, residues 498-518): YRPPALNLQA[His508Arg]WQGLAQPEAQ

ClinVar aggregate classification (germline): Uncertain significance (1 of 4 stars; one submission).

Conditions:
2-aminoadipic 2-oxoadipic aciduria (AAKAD). Also called: Aminoadipic aciduria; ALPHA-AMINOADIPIC AND ALPHA-KETOADIPIC ACIDURIA. Identifiers: Orphanet 79154, MedGen C1859817, MONDO:0008774, OMIM 204750.

Submission:

Labcorp Genetics (formerly Invitae), Labcorp
Classification: Uncertain significance for 2-aminoadipic 2-oxoadipic aciduria. Last evaluated: 2024-09-27. Review status: criteria provided, single submitter. Criteria: Invitae Variant Classification Sherloc (09022015). Collection method: clinical testing. Allele origin: germline.
Comment: This sequence change replaces histidine, which is basic and polar, with arginine, which is basic and polar, at codon 508 of the DHTKD1 protein (p.His508Arg). This variant is not present in population databases (gnomAD no frequency). This variant has not been reported in the literature in individuals affected with DHTKD1-related conditions. Invitae Evidence Modeling of protein sequence and biophysical properties (such as structural, functional, and spatial information, amino acid conservation, physicochemical variation, residue mobility, and thermodynamic stability) indicates that this missense variant is not expected to disrupt DHTKD1 protein function with a negative predictive value of 80%. In summary, the available evidence is currently insufficient to determine the role of this variant in disease. Therefore, it has been classified as a Variant of Uncertain Significance.